The following is an entry in ClinVar:

ClinVar aggregate classification (germline): Uncertain significance (1 of 4 stars; one submission).

gnomAD v4.1: 1 of 1,614,230 alleles (0.000062%); no homozygotes.

Submission:

GeneDx
Classification: Uncertain significance. Last evaluated: 2025-03-05. Review status: criteria provided, single submitter. Criteria: GeneDx Variant Classification Process June 2021. Collection method: clinical testing. Allele origin: germline. Affected: yes.
Comment: Not observed at significant frequency in large population cohorts (gnomAD); In silico analysis indicates that this missense variant does not alter protein structure/function; Has not been previously published as pathogenic or benign to our knowledge

NM_030962.4(SBF2):c.4099A>G (p.Thr1367Ala)

Gene: SBF2 (SET binding factor 2; minus strand). Cytogenetic location: 11p15.4.
Variant type: single nucleotide variant.
Coding change: c.4099A>G on transcript NM_030962.4 (MANE Select); coding-DNA position 4099, A replaced by G.
Protein change: p.Thr1367Ala; replaces threonine 1367 with alanine.
Molecular consequence: missense variant.
Genome position (GRCh38, 1-based): chr11:9,812,588, T>C on the plus strand (A>G on the coding strand, the complement: SBF2 is on the minus strand). VCF-style: chr11-9812588-T-C. GRCh37 (hg19) VCF-style: chr11-9834135-T-C.
Other names: c.4195A>G, p.Thr1399Ala (NM_001386339.1); c.3970A>G, p.Thr1324Ala (NM_001386342.1); c.4135A>G, p.Thr1379Ala (NM_001424318.1, NM_001425070.1); c.3994A>G, p.Thr1332Ala (NM_001425069.1); short protein forms T1324A, T1332A, T1367A, T1379A, T1399A.
Identifiers: ClinVar variation 4082897 (VCV004082897.1).
Genomic context (GRCh38, chr11:9,812,588, plus strand): 5'-TTACCTGTGGGAACCACTCAGAATCTCCCAGCGCTTTCAGGAAGGTCACTTCTGAGTCAG[T>C]AGGGATGGTGCTTGGGATACAAGCCCTCATCAGCTTCTTAAAACTGGCTTTCACTTGCCG-3'
Protein context (NP_112224.1, residues 1357-1377): MRACIPSTIP[Thr1367Ala]DSEVTFLKAL